The following is an entry in ClinVar:

NM_052965.4(TSEN15):c.15C>G (p.Gly5=)

Genes: TSEN15 (tRNA splicing endonuclease subunit 15; plus strand), LOC112577522 (Sharpr-MPRA regulatory region 13835; plus strand). Cytogenetic location: 1q25.3.
Variant type: single nucleotide variant.
Coding change: c.15C>G on transcript NM_052965.4 (MANE Select); coding-DNA position 15, C replaced by G.
Protein change: p.Gly5=; no amino-acid change (glycine 5 retained).
Molecular consequence: synonymous variant. On other transcripts: non-coding transcript variant (2).
Genome position (GRCh38, 1-based): chr1:184,051,770, C>G. VCF-style: chr1-184051770-C-G. GRCh37 (hg19) VCF-style: chr1-184020904-C-G.
Other names: c.15C>G, p.Gly5= (NM_001127394.4, NM_001300764.2, NM_001300766.2 and 1 more transcripts).
Identifiers: ClinVar variation 4977602 (VCV004977602.1).

ClinVar aggregate classification (germline): Likely benign (1 of 4 stars; one submission).

Conditions:
TSEN15-related disorder. Also called: TSEN15-related condition.

gnomAD v4.1: 16 of 1,499,022 alleles (0.0011%); highest among the groups gnomAD compares: East Asian, 0.038%; no homozygotes.

Submission:

PreventionGenetics, part of Exact Sciences
Classification: Likely benign for TSEN15-related condition. Last evaluated: 2025-04-15. Review status: criteria provided, single submitter. Criteria: ACMG Guidelines, 2015. Collection method: clinical testing. Allele origin: germline.
Comment: This variant is classified as likely benign based on ACMG/AMP sequence variant interpretation guidelines (Richards et al. 2015 PMID: 25741868, with internal and published modifications).